The following is an entry in ClinVar:

NM_007259.5(VPS45):c.687G>C (p.Gln229His)

Gene: VPS45 (vacuolar protein sorting 45 homolog; plus strand). Cytogenetic location: 1q21.2.
Variant type: single nucleotide variant.
Coding change: c.687G>C on transcript NM_007259.5 (MANE Select); coding-DNA position 687, G replaced by C.
Protein change: p.Gln229His; replaces glutamine 229 with histidine.
Molecular consequence: missense variant. On other transcripts: non-coding transcript variant (1).
Genome position (GRCh38, 1-based): chr1:150,077,779, G>C. VCF-style: chr1-150077779-G-C. GRCh37 (hg19) VCF-style: chr1-150049857-G-C.
Other names: c.372G>C, p.Gln124His (NM_001279353.2); c.579G>C, p.Gln193His (NM_001279354.2); short protein forms Q124H, Q193H, Q229H.
Identifiers: ClinVar variation 966855 (VCV000966855.7), dbSNP rs200019200, ClinGen allele CA1073201.

ClinVar aggregate classification (germline): Uncertain significance. Review status: criteria provided, single submitter (1 of 4 stars). 2 submissions from 2 submitters: Uncertain significance (1). 1 of the submissions does not count toward it. Last evaluated 2022-01-06.

Conditions:
Congenital neutropenia-myelofibrosis-nephromegaly syndrome. Also called: Severe congenital neutropenia 5, autosomal recessive. Identifiers: Orphanet 369852, MedGen C3809031, MONDO:0014118, OMIM 615285.

Allele frequency attached by ClinVar (database versions not stated): gnomAD exomes 0.00003; TOPMed 0.00003; ExAC 0.00004; gnomAD 0.00005.
gnomAD v4.1: 52 of 1,608,014 alleles (0.0032%); highest among the groups gnomAD compares: Non-Finnish European, 0.0036%; no homozygotes.

Submissions (2):

Labcorp Genetics (formerly Invitae), Labcorp
Classification: Uncertain significance for Congenital neutropenia-myelofibrosis-nephromegaly syndrome. Last evaluated: 2022-01-06. Review status: criteria provided, single submitter. Criteria: Invitae Variant Classification Sherloc (09022015). Collection method: clinical testing. Allele origin: germline.
Comment: This sequence change replaces glutamine, which is neutral and polar, with histidine, which is basic and polar, at codon 229 of the VPS45 protein (p.Gln229His). This variant also falls at the last nucleotide of exon 7, which is part of the consensus splice site for this exon. This variant is present in population databases (rs200019200, gnomAD 0.008%). This variant has not been reported in the literature in individuals affected with VPS45-related conditions. ClinVar contains an entry for this variant (Variation ID: 966855). Algorithms developed to predict the effect of missense changes on protein structure and function are either unavailable or do not agree on the potential impact of this missense change (SIFT: "Deleterious"; PolyPhen-2: "Probably Damaging"; Align-GVGD: "Class C0"). Variants that disrupt the consensus splice site are a relatively common cause of aberrant splicing (PMID: 17576681, 9536098). Algorithms developed to predict the effect of sequence changes on RNA splicing suggest that this variant may disrupt the consensus splice site. In summary, the available evidence is currently insufficient to determine the role of this variant in disease. Therefore, it has been classified as a Variant of Uncertain Significance.

Natera, Inc.
Classification: Uncertain significance for Autosomal recessive severe congenital neutropenia 5. Last evaluated: 2020-02-10. Review status: no assertion criteria provided. Collection method: clinical testing. Allele origin: germline. Not counted in ClinVar's aggregate classification.

Literature cited by the submitters: PubMed 17576681 (cited by Labcorp Genetics (formerly Invitae), Labcorp); PubMed 9536098 (cited by Labcorp Genetics (formerly Invitae), Labcorp).